The following is an entry in ClinVar:

NM_001211.6(BUB1B):c.2141C>T (p.Ser714Leu)

Gene: BUB1B (BUB1 mitotic checkpoint serine/threonine kinase B; plus strand). Cytogenetic location: 15q15.1.
Variant type: single nucleotide variant.
Coding change: c.2141C>T on transcript NM_001211.6 (MANE Select); coding-DNA position 2141, C replaced by T.
Protein change: p.Ser714Leu; replaces serine 714 with leucine.
Molecular consequence: missense variant.
Genome position (GRCh38, 1-based): chr15:40,208,768, C>T. VCF-style: chr15-40208768-C-T. GRCh37 (hg19) VCF-style: chr15-40500969-C-T.
Other names: short protein forms S714L.
Identifiers: ClinVar variation 1786595 (VCV001786595.2), dbSNP rs1429921880, ClinGen allele CA391693966.

ClinVar aggregate classification (germline): Uncertain significance (1 of 4 stars; one submission).

Conditions:
Inborn genetic diseases. Identifiers: MedGen C0950123, MeSH D030342.

Submission:

Ambry Genetics
Classification: Uncertain significance for Inborn genetic diseases. Last evaluated: 2022-06-06. Review status: criteria provided, single submitter. Criteria: Ambry Variant Classification Scheme 2023. Collection method: clinical testing. Allele origin: germline.
Comment: The p.S714L variant (also known as c.2141C>T), located in coding exon 16 of the BUB1B gene, results from a C to T substitution at nucleotide position 2141. The serine at codon 714 is replaced by leucine, an amino acid with dissimilar properties. This amino acid position is conserved. In addition, this alteration is predicted to be tolerated by in silico analysis. Since supporting evidence is limited at this time, the clinical significance of this alteration remains unclear.